The following is an entry in ClinVar:

NM_001128840.3(CACNA1D):c.5691C>T (p.Pro1897=)

Gene: CACNA1D (calcium voltage-gated channel subunit alpha1 D; plus strand). Cytogenetic location: 3p21.1.
Variant type: single nucleotide variant.
Coding change: c.5691C>T on transcript NM_001128840.3 (MANE Select); coding-DNA position 5691, C replaced by T.
Protein change: p.Pro1897=; no amino-acid change (proline 1897 retained).
Molecular consequence: synonymous variant.
Genome position (GRCh38, 1-based): chr3:53,805,088, C>T. VCF-style: chr3-53805088-C-T. GRCh37 (hg19) VCF-style: chr3-53839115-C-T.
Other names: c.5751C>T (NM_000720.3); c.5751C>T, p.Pro1917= (NM_000720.4); c.5619C>T, p.Pro1873= (NM_001128839.3).
Identifiers: ClinVar variation 1938637 (VCV001938637.7), dbSNP rs371412478, ClinGen allele CA2455223.

ClinVar aggregate classification (germline): Likely benign. Review status: criteria provided, single submitter (1 of 4 stars). 2 submissions from 2 submitters: Likely benign (1). 1 of the submissions does not count toward it. Last evaluated 2026-01-27.

Conditions:
CACNA1D-related disorder.

Allele frequency attached by ClinVar (database versions not stated): TOPMed below 0.00001; ExAC 0.00001; gnomAD 0.00001; ESP Exome Variant Server 0.00008.
gnomAD v4.1: 6 of 1,614,012 alleles (0.00037%); highest among the groups gnomAD compares: East Asian, 0.0022%; no homozygotes.

Submissions (2):

Labcorp Genetics (formerly Invitae), Labcorp
Classification: Likely benign. Last evaluated: 2026-01-27. Review status: criteria provided, single submitter. Criteria: Invitae Variant Classification Sherloc (09022015). Collection method: clinical testing. Allele origin: germline.

PreventionGenetics, part of Exact Sciences
Classification: Likely benign for CACNA1D-related condition. Last evaluated: 2019-03-25. Review status: no assertion criteria provided. Collection method: clinical testing. Allele origin: germline. Not counted in ClinVar's aggregate classification.
Comment: This variant is classified as likely benign based on ACMG/AMP sequence variant interpretation guidelines (Richards et al. 2015 PMID: 25741868, with internal and published modifications).